The following is an entry in ClinVar:

ClinVar aggregate classification (germline): Uncertain significance (1 of 4 stars; one submission).

Submission:

Labcorp Genetics (formerly Invitae), Labcorp
Classification: Uncertain significance. Last evaluated: 2023-08-28. Review status: criteria provided, single submitter. Criteria: Invitae Variant Classification Sherloc (09022015). Collection method: clinical testing. Allele origin: germline.
Comment: In summary, the available evidence is currently insufficient to determine the role of this variant in disease. Therefore, it has been classified as a Variant of Uncertain Significance. Advanced modeling of protein sequence and biophysical properties (such as structural, functional, and spatial information, amino acid conservation, physicochemical variation, residue mobility, and thermodynamic stability) performed at Invitae indicates that this missense variant is not expected to disrupt KMT2B protein function. This variant has not been reported in the literature in individuals affected with KMT2B-related conditions. This variant is not present in population databases (gnomAD no frequency). This sequence change replaces aspartic acid, which is acidic and polar, with asparagine, which is neutral and polar, at codon 686 of the KMT2B protein (p.Asp686Asn).

NM_014727.3(KMT2B):c.2056G>A (p.Asp686Asn)

Gene: KMT2B (lysine methyltransferase 2B; plus strand). Cytogenetic location: 19q13.12.
Variant type: single nucleotide variant.
Coding change: c.2056G>A on transcript NM_014727.3 (MANE Select); coding-DNA position 2056, G replaced by A.
Protein change: p.Asp686Asn; replaces aspartic acid 686 with asparagine.
Molecular consequence: missense variant.
Genome position (GRCh38, 1-based): chr19:35,721,403, G>A. VCF-style: chr19-35721403-G-A. GRCh37 (hg19) VCF-style: chr19-36212305-G-A.
Other names: short protein forms D686N.
Identifiers: ClinVar variation 2856354 (VCV002856354.3), dbSNP rs2513317865, ClinGen allele CA405395702.